The following is an entry in ClinVar:

ClinVar aggregate classification (germline): Uncertain significance (1 of 4 stars; one submission).

Conditions:
DK1-congenital disorder of glycosylation. Also called: DK1 DEFICIENCY; DOLICHOL KINASE DEFICIENCY; DK1-CDG; CONGENITAL DISORDER OF GLYCOSYLATION, TYPE Im; CDG Im; DOLK-congenital disorder of glycosylation. Identifiers: Orphanet 91131, MedGen C1835849, MONDO:0012556, OMIM 610768.

Allele frequency attached by ClinVar (database versions not stated): TOPMed below 0.00001; gnomAD exomes 0.00001.

Submission:

Labcorp Genetics (formerly Invitae), Labcorp
Classification: Uncertain significance for DK1-congenital disorder of glycosylation. Last evaluated: 2022-05-25. Review status: criteria provided, single submitter. Criteria: Invitae Variant Classification Sherloc (09022015). Collection method: clinical testing. Allele origin: germline.
Comment: This sequence change replaces aspartic acid, which is acidic and polar, with valine, which is neutral and non-polar, at codon 524 of the DOLK protein (p.Asp524Val). This variant is present in population databases (no rsID available, gnomAD 0.003%). This variant has not been reported in the literature in individuals affected with DOLK-related conditions. Algorithms developed to predict the effect of missense changes on protein structure and function (SIFT, PolyPhen-2, Align-GVGD) all suggest that this variant is likely to be disruptive. In summary, the available evidence is currently insufficient to determine the role of this variant in disease. Therefore, it has been classified as a Variant of Uncertain Significance.

NM_014908.4(DOLK):c.1571A>T (p.Asp524Val)

Gene: DOLK (dolichol kinase; minus strand). Cytogenetic location: 9q34.11.
Variant type: single nucleotide variant.
Coding change: c.1571A>T on transcript NM_014908.4 (MANE Select); coding-DNA position 1571, A replaced by T.
Protein change: p.Asp524Val; replaces aspartic acid 524 with valine.
Molecular consequence: missense variant.
Genome position (GRCh38, 1-based): chr9:128,945,733, T>A on the plus strand (A>T on the coding strand, the complement: DOLK is on the minus strand). VCF-style: chr9-128945733-T-A. GRCh37 (hg19) VCF-style: chr9-131708012-T-A.
Other names: short protein forms D524V.
Identifiers: ClinVar variation 2191937 (VCV002191937.1), dbSNP rs1029975283, ClinGen allele CA200444162.